The following is an entry in ClinVar:

ClinVar aggregate classification (germline): Benign (1 of 4 stars; one submission).

Conditions:
Familial adenomatous polyposis 1 (FAP1). Also called: FAMILIAL ADENOMATOUS POLYPOSIS 1, ATTENUATED; POLYPOSIS, ADENOMATOUS INTESTINAL. Identifiers: MedGen C2713442, MONDO:0021056, OMIM 175100. Disease mechanism: loss of function.

Submission:

Myriad Genetics, Inc.
Classification: Benign for Familial adenomatous polyposis 1. Last evaluated: 2024-09-30. Review status: criteria provided, single submitter. Criteria: Myriad Autosomal Dominant, Autosomal Recessive and X-Linked Classification Criteria (2023). Collection method: clinical testing. Allele origin: unknown.
Comment: This variant is considered benign. This variant occurs in the non-coding 3' untranslated region of the gene, and is not expected to impact protein function.

NM_000038.6(APC):c.*9A>C

Gene: APC (APC regulator of Wnt signaling pathway; plus strand). Cytogenetic location: 5q22.2.
Variant type: single nucleotide variant.
Coding change: c.*9A>C on transcript NM_000038.6 (MANE Select); 9 bases downstream of the stop codon, A replaced by C.
Molecular consequence: 3 prime UTR variant. On other transcripts: non-coding transcript variant (2).
Genome position (GRCh38, 1-based): chr5:112,844,135, A>C. VCF-style: chr5-112844135-A-C. GRCh37 (hg19) VCF-style: chr5-112179832-A-C.
Other names: c.*9A>C (NM_001127510.3, NM_001127511.3, NM_001354895.2 and 31 more transcripts).
Identifiers: ClinVar variation 3379007 (VCV003379007.1).